The following is an entry in ClinVar:

ClinVar aggregate classification (germline): Conflicting classifications of pathogenicity. Review status: criteria provided, conflicting classifications (1 of 4 stars). 2 submissions from 2 submitters: Uncertain significance (1); Likely benign (1). Last evaluated 2025-10-15.

Conditions:
SYNM-related disorder. Also called: SYNM-related condition.

Submissions (2):

Ambry Genetics
Classification: Uncertain significance. Last evaluated: 2025-10-15. Review status: criteria provided, single submitter. Criteria: Ambry Variant Classification Scheme 2023. Collection method: clinical testing. Allele origin: germline.

PreventionGenetics, part of Exact Sciences
Classification: Likely benign for SYNM-related condition. Last evaluated: 2021-01-20. Review status: criteria provided, single submitter. Criteria: ACMG Guidelines, 2015. Collection method: clinical testing. Allele origin: germline.
Comment: This variant is classified as likely benign based on ACMG/AMP sequence variant interpretation guidelines (Richards et al. 2015 PMID: 25741868, with internal and published modifications).

NM_145728.3(SYNM):c.3494C>T (p.Thr1165Ile)

Gene: SYNM (synemin; plus strand). Cytogenetic location: 15q26.3.
Variant type: single nucleotide variant.
Coding change: c.3494C>T on transcript NM_145728.3 (MANE Select); coding-DNA position 3494, C replaced by T.
Protein change: p.Thr1165Ile; replaces threonine 1165 with isoleucine.
Molecular consequence: missense variant. On other transcripts: intron variant (1).
Genome position (GRCh38, 1-based): chr15:99,131,854, C>T. VCF-style: chr15-99131854-C-T. GRCh37 (hg19) VCF-style: chr15-99672059-C-T.
Other names: c.3453+41C>T (NM_015286.6); short protein forms T1165I.
Identifiers: ClinVar variation 3051187 (VCV003051187.3), dbSNP rs1555485987, ClinGen allele CA393670223.
Genomic context (GRCh38, chr15:99,131,854, plus strand): 5'-CCACTGCAGAAGTGGTGGAGGTAAGTGCGGGAGGTGACCTAAGTCAGGCAGCGAGCCCGA[C>T]CGGAGCCAGCCGGTCTGTGAGGCATGTCACGCTGGGTCCCGGTCAAAGTCCACTGTCCAG-3'
Protein context (NP_663780.2, residues 1155-1175): GGDLSQAASP[Thr1165Ile]GASRSVRHVT